The following is an entry in ClinVar:

ClinVar aggregate classification (germline): Uncertain significance. Review status: reviewed by expert panel (3 of 4 stars). 11 submissions from 11 submitters: Uncertain significance (1). 10 of the submissions do not count toward it. Last evaluated 2020-07-28.

Conditions:
Usher syndrome. Also called: Usher Syndromes; Usher's syndrome. Identifiers: Orphanet 886, MedGen CN469326, MeSH D052245, MONDO:0019501. Disease mechanism: loss of function.
USH2A-related disorder. Also called: USH2A-related disorders; USH2A-related condition. Identifiers: MedGen CN239332.
Retinal dystrophy. Also called: Inherited retinal dystrophy. Identifiers: Orphanet 71862, MedGen C0854723, MeSH D058499, MONDO:0019118, HP:0000556.
Retinitis pigmentosa 39 (RP39). Identifiers: Orphanet 791, MedGen C3151138, MONDO:0013436, OMIM 613809.
Usher syndrome type 2A. Also called: USHER SYNDROME, TYPE IIA; RETINAL DISEASE IN USHER SYNDROME TYPE IIA, MODIFIER OF. Identifiers: Orphanet 231178, Orphanet 886, MedGen C1848634, MONDO:0010169, OMIM 276901.
Retinitis pigmentosa (RP). Identifiers: Orphanet 791, MedGen C0035334, MeSH D012174, MONDO:0019200, OMIM 268000. Inheritance: Autosomal dominant, autosomal recessive and X linked inheritance.

Allele frequency attached by ClinVar (database versions not stated): ExAC 0.00001; gnomAD 0.00001; gnomAD exomes 0.00001 and 0.00002; TOPMed 0.00002; ESP Exome Variant Server 0.00008.
gnomAD v4.1: 23 of 1,612,648 alleles (0.0014%); highest among the groups gnomAD compares: Admixed American, 0.0033%; no homozygotes.

Submissions (11):

ClinGen Hearing Loss Variant Curation Expert Panel
Classification: Uncertain significance for Usher syndrome. Last evaluated: 2020-07-28. Review status: reviewed by expert panel. Criteria: ClinGen HL ACMG Specifications v1. Collection method: curation. Allele origin: germline. Inheritance: Autosomal recessive inheritance.
Comment: The c.9433C>T (p.Leu3145Phe) variant in USH2A is present in 0.0033% (1/30612) of South Asian allele in gnomAd v2.1.1 and in 0.0074% (1/13568) of Latino alleles in gnomAD v3 (PM2). This variant has been detected in 1 proband with bilateral sensorineural hearing loss in a homozygous state (PM3_Supporting, PMID: 26806561). Computational prediction tools and conservation analyses do not provide strong support for or against an impact to the protein (PP3 not met). In summary, the clinical significance of this variant is uncertain. ACMG/AMP criteria applied, as specified by the Hearing Loss Expert Panel: PM2, PM3_Supporting.

PreventionGenetics, part of Exact Sciences
Classification: Pathogenic for USH2A-related condition. Last evaluated: 2026-06-01. Review status: criteria provided, single submitter. Criteria: ACMG Guidelines, 2015. Collection method: clinical testing. Allele origin: germline. Not counted in ClinVar's aggregate classification.
Comment: The USH2A c.9433C>T variant is predicted to result in the amino acid substitution p.Leu3145Phe. This variant has been reported in the homozygous state in an individual with retinitis pigmentosa (Perez-Carro et al. 2016. PubMed ID: 26806561), and in the heterozygous state along with a second USH2A variant in multiple individuals with retinitis pigmentosa (Ge et al. 2015. PubMed ID: 26667666, Table S1, Weisschuh et al. 2020. PubMed ID: 32531858; Reurink et al. 2023. PubMed ID: 36785559; Table S4, Panneman et al. 2023. PubMed ID: 36819107). This variant is present in 0.0033% of alleles in individuals of South Asian descent in gnomAD. This variant is interpreted as pathogenic.

Labcorp Genetics (formerly Invitae), Labcorp
Classification: Pathogenic. Last evaluated: 2025-10-13. Review status: criteria provided, single submitter. Criteria: Invitae Variant Classification Sherloc (09022015). Collection method: clinical testing. Allele origin: germline. Not counted in ClinVar's aggregate classification.
Comment: This sequence change replaces leucine, which is neutral and non-polar, with phenylalanine, which is neutral and non-polar, at codon 3145 of the USH2A protein (p.Leu3145Phe). This variant is present in population databases (rs267598373, gnomAD 0.003%). This missense change has been observed in individual(s) with clinical features of Usher syndrome and/or retinitis pigmentosa (PMID: 26667666, 26806561, 26927203, 32531858; internal data). ClinVar contains an entry for this variant (Variation ID: 73556). Invitae Evidence Modeling of protein sequence and biophysical properties (such as structural, functional, and spatial information, amino acid conservation, physicochemical variation, residue mobility, and thermodynamic stability) indicates that this missense variant is not expected to disrupt USH2A protein function with a negative predictive value of 95%. For these reasons, this variant has been classified as Pathogenic.

Fulgent Genetics
Classification: Likely pathogenic for Usher syndrome type 2A; Retinitis pigmentosa 39. Last evaluated: 2024-04-09. Review status: criteria provided, single submitter. Criteria: ACMG Guidelines, 2015. Collection method: clinical testing. Allele origin: germline. Not counted in ClinVar's aggregate classification.

Baylor Genetics
Classification: Likely pathogenic for Retinitis pigmentosa 39. Last evaluated: 2024-03-04. Review status: criteria provided, single submitter. Criteria: ACMG Guidelines, 2015. Collection method: clinical testing. Allele origin: unknown. Not counted in ClinVar's aggregate classification.

Blueprint Genetics
Classification: Pathogenic for USH2A-related disorders. Last evaluated: 2023-03-31. Review status: criteria provided, single submitter. Criteria: ACMG Guidelines, 2015. Collection method: clinical testing. Allele origin: germline. Affected: yes. Observed: 5 variant alleles. Not counted in ClinVar's aggregate classification.

Broad Center for Mendelian Genomics, Broad Institute of MIT and Harvard
Classification: Uncertain significance for Retinitis pigmentosa. Last evaluated: 2021-04-01. Review status: criteria provided, single submitter. Criteria: ACMG Guidelines, 2015. Collection method: curation. Allele origin: germline. Inheritance: Autosomal recessive inheritance. Affected: yes. Not counted in ClinVar's aggregate classification.
Comment: Through a review of available evidence we were able to apply the following criteria: PM2, PM3-P. Based on this evidence we have classified this variant as a Variant of Uncertain Significance. If you have any questions about the classification please reach out to the Pierce Lab.

Institute of Human Genetics, Univ. Regensburg, Univ. Regensburg
Classification: Likely pathogenic for Retinal dystrophy. Last evaluated: 2021-01-01. Review status: criteria provided, single submitter. Criteria: ACMG Guidelines, 2015. Collection method: clinical testing. Allele origin: germline. Affected: yes. Not counted in ClinVar's aggregate classification.

CeGaT Center for Human Genetics Tuebingen
Classification: Pathogenic. Last evaluated: 2018-08-01. Review status: criteria provided, single submitter. Criteria: CeGaT Center For Human Genetics Tuebingen Variant Classification Criteria Version 2. Collection method: clinical testing. Allele origin: germline. Affected: yes. Observed: 1 variant allele. Not counted in ClinVar's aggregate classification.

Clinical Genetics, Academic Medical Center
Classification: Uncertain significance. Review status: no assertion criteria provided. Collection method: clinical testing. Allele origin: germline. Affected: yes. Study: VKGL Data-share Consensus. Not counted in ClinVar's aggregate classification.

Joint Genome Diagnostic Labs from Nijmegen and Maastricht, Radboudumc and MUMC+
Classification: Uncertain significance. Review status: no assertion criteria provided. Collection method: clinical testing. Allele origin: germline. Affected: yes. Study: VKGL Data-share Consensus. Not counted in ClinVar's aggregate classification.

Literature cited by the submitters: PubMed 26667666 (cited by 4 submitters); PubMed 26806561 (cited by 3 submitters); PubMed 26927203 (cited by 3 submitters); PubMed 32531858 (cited by Labcorp Genetics (formerly Invitae), Labcorp and Institute of Human Genetics, Univ. Regensburg, Univ. Regensburg); PubMed 34906470 (cited by Broad Center for Mendelian Genomics, Broad Institute of MIT and Harvard); PubMed 31964843 (cited by Institute of Human Genetics, Univ. Regensburg, Univ. Regensburg); PubMed 35266249 (cited by Institute of Human Genetics, Univ. Regensburg, Univ. Regensburg); PubMed 36819107 (cited by Institute of Human Genetics, Univ. Regensburg, Univ. Regensburg); PubMed 36785559 (cited by Institute of Human Genetics, Univ. Regensburg, Univ. Regensburg).

NM_206933.4(USH2A):c.9433C>T (p.Leu3145Phe)

Gene: USH2A (usherin; minus strand). Cytogenetic location: 1q41.
Variant type: single nucleotide variant.
Coding change: c.9433C>T on transcript NM_206933.4 (MANE Select); coding-DNA position 9433, C replaced by T.
Protein change: p.Leu3145Phe; replaces leucine 3145 with phenylalanine.
Molecular consequence: missense variant.
Genome position (GRCh38, 1-based): chr1:215,817,134, G>A on the plus strand (C>T on the coding strand, the complement: USH2A is on the minus strand). VCF-style: chr1-215817134-G-A. GRCh37 (hg19) VCF-style: chr1-215990476-G-A.
Other names: c.9433C>T (NM_206933.3); short protein forms L3145F.
Identifiers: ClinVar variation 73556 (VCV000073556.50), dbSNP rs267598373, ClinGen allele CA1394316.